The following is an entry in ClinVar:

ClinVar aggregate classification (germline): Pathogenic (1 of 4 stars; one submission).

Conditions:
Primary ciliary dyskinesia. Also called: Ciliary dyskinesia. Identifiers: Orphanet 244, MedGen C0008780, MONDO:0016575, HP:0012265.

Submission:

Labcorp Genetics (formerly Invitae), Labcorp
Classification: Pathogenic for Primary ciliary dyskinesia. Last evaluated: 2022-10-27. Review status: criteria provided, single submitter. Criteria: Invitae Variant Classification Sherloc (09022015). Collection method: clinical testing. Allele origin: germline.
Comment: For these reasons, this variant has been classified as Pathogenic. This variant has not been reported in the literature in individuals affected with DNAH11-related conditions. This variant is present in population databases (no rsID available, gnomAD 0.0009%). This sequence change creates a premature translational stop signal (p.Val596Serfs*5) in the DNAH11 gene. It is expected to result in an absent or disrupted protein product. Loss-of-function variants in DNAH11 are known to be pathogenic (PMID: 18022865, 20513915, 22184204).

Literature cited by the submitters: PubMed 18022865; PubMed 20513915; PubMed 22184204.

NM_001277115.2(DNAH11):c.1785dup (p.Val596fs)

Gene: DNAH11 (dynein axonemal heavy chain 11; plus strand). Cytogenetic location: 7p15.3.
Variant type: Duplication.
Coding change: c.1785dup on transcript NM_001277115.2 (MANE Select); coding-DNA position 1785, one base duplicated (A; older notation c.1785dupA).
Protein change: p.Val596fs; shifts the reading frame from valine 596.
Molecular consequence: frameshift variant.
Genome position (GRCh38, 1-based): chr7:21,588,138, A duplicated. VCF-style (leftmost placement, unchanged base first): chr7-21588137-T-TA. GRCh37 (hg19) VCF-style: chr7-21627755-T-TA.
Other names: c.1785dup, p.Val596Serfs (NM_003777.3); short protein forms V596fs.
Identifiers: ClinVar variation 2809929 (VCV002809929.3), dbSNP rs1333280926, ClinGen allele CA572915048.